The following is an entry in ClinVar:

ClinVar aggregate classification (germline): Likely benign. Review status: criteria provided, single submitter (1 of 4 stars). 2 submissions from 2 submitters: Likely benign (1). 1 of the submissions does not count toward it. Last evaluated 2026-03-01.

Conditions:
ITPR3-related disorder. Also called: ITPR3-related condition.

Allele frequency attached by ClinVar (database versions not stated): 1000 Genomes Project 0.00020; ExAC 0.00030; 1000 Genomes Project 30x 0.00031; gnomAD 0.00032; TOPMed 0.00032; gnomAD exomes 0.00058; ESP Exome Variant Server 0.00062.
gnomAD v4.1: 872 of 1,614,218 alleles (0.054%); highest among the groups gnomAD compares: Non-Finnish European, 0.07%; no homozygotes.

Submissions (2):

CeGaT Center for Human Genetics Tuebingen
Classification: Likely benign. Last evaluated: 2026-03-01. Review status: criteria provided, single submitter. Criteria: CeGaT Center For Human Genetics Tuebingen Variant Classification Criteria Version 2. Collection method: clinical testing. Allele origin: germline. Affected: yes. Observed: 2 variant alleles.
Comment: ITPR3: BP4

PreventionGenetics, part of Exact Sciences
Classification: Likely benign for ITPR3-related condition. Last evaluated: 2019-03-06. Review status: no assertion criteria provided. Collection method: clinical testing. Allele origin: germline. Not counted in ClinVar's aggregate classification.
Comment: This variant is classified as likely benign based on ACMG/AMP sequence variant interpretation guidelines (Richards et al. 2015 PMID: 25741868, with internal and published modifications).

NM_002224.4(ITPR3):c.1974C>T (p.Asp658=)

Gene: ITPR3 (inositol 1,4,5-trisphosphate receptor type 3; plus strand). Cytogenetic location: 6p21.31.
Variant type: single nucleotide variant.
Coding change: c.1974C>T on transcript NM_002224.4 (MANE Select); coding-DNA position 1974, C replaced by T.
Protein change: p.Asp658=; no amino-acid change (aspartic acid 658 retained).
Molecular consequence: synonymous variant.
Genome position (GRCh38, 1-based): chr6:33,668,602, C>T. VCF-style: chr6-33668602-C-T. GRCh37 (hg19) VCF-style: chr6-33636379-C-T.
Identifiers: ClinVar variation 3046673 (VCV003046673.6), dbSNP rs140399440, ClinGen allele CA3760424.